The following is an entry in ClinVar:

NM_001004334.4(GPR179):c.4052A>C (p.Asp1351Ala)

Gene: GPR179 (G protein-coupled receptor 179; minus strand). Cytogenetic location: 17q12.
Variant type: single nucleotide variant.
Coding change: c.4052A>C on transcript NM_001004334.4 (MANE Select); coding-DNA position 4052, A replaced by C.
Protein change: p.Asp1351Ala; replaces aspartic acid 1351 with alanine.
Molecular consequence: missense variant.
Genome position (GRCh38, 1-based): chr17:38,329,517, T>G on the plus strand (A>C on the coding strand, the complement: GPR179 is on the minus strand). VCF-style: chr17-38329517-T-G. GRCh37 (hg19) VCF-style: chr17-36485400-T-G.
Other names: short protein forms D1351A.
Identifiers: ClinVar variation 866494 (VCV000866494.7), dbSNP rs758036832, ClinGen allele CA290104450.
Genomic context (GRCh38, chr17:38,329,517, plus strand): 5'-TGAGCTTCTGGGCCAGCAGCTTCCCACCCAGGCTTCTCCACCTTCCTGGCCTCCACACTG[T>G]CCCCCGCCTCAGATTTGTCTCTGATTCTGCCAGGGTCCTGAGGAGCTGACCCAGGGGACA-3'
Protein context (NP_001004334.3, residues 1341-1361): GRIRDKSEAG[Asp1351Ala]SVEARKVEKP

ClinVar aggregate classification (germline): Uncertain significance. Review status: criteria provided, multiple submitters, no conflicts (2 of 4 stars). 2 submissions from 2 submitters: Uncertain significance (2). Last evaluated 2023-04-26.

Allele frequency attached by ClinVar (database versions not stated): gnomAD 0.00001; gnomAD exomes 0.00002 and 0.00004; ExAC 0.00004; TOPMed 0.00004.

Submissions (2):

Blueprint Genetics
Classification: Uncertain significance. Last evaluated: 2023-04-26. Review status: criteria provided, single submitter. Criteria: ACMG Guidelines, 2015. Collection method: clinical testing. Allele origin: germline.

Labcorp Genetics (formerly Invitae), Labcorp
Classification: Uncertain significance. Last evaluated: 2022-03-10. Review status: criteria provided, single submitter. Criteria: Invitae Variant Classification Sherloc (09022015). Collection method: clinical testing. Allele origin: germline.
Comment: This sequence change replaces aspartic acid, which is acidic and polar, with alanine, which is neutral and non-polar, at codon 1351 of the GPR179 protein (p.Asp1351Ala). This variant is present in population databases (rs758036832, gnomAD 0.03%), including at least one homozygous and/or hemizygous individual. This variant has not been reported in the literature in individuals affected with GPR179-related conditions. ClinVar contains an entry for this variant (Variation ID: 866494). Algorithms developed to predict the effect of missense changes on protein structure and function are either unavailable or do not agree on the potential impact of this missense change (SIFT: "Deleterious"; PolyPhen-2: "Benign"; Align-GVGD: "Class C0"). In summary, the available evidence is currently insufficient to determine the role of this variant in disease. Therefore, it has been classified as a Variant of Uncertain Significance.